The following is an entry in ClinVar:

NM_003072.5(SMARCA4):c.3774+5G>A

Gene: SMARCA4 (SWI/SNF related BAF chromatin remodeling complex subunit ATPase 4; plus strand). Cytogenetic location: 19p13.2.
Variant type: single nucleotide variant.
Coding change: c.3774+5G>A on transcript NM_003072.5 (MANE Select); 5 bases into the intron after coding-DNA position 3774, G replaced by A.
Molecular consequence: intron variant.
Genome position (GRCh38, 1-based): chr19:11,033,522, G>A. VCF-style: chr19-11033522-G-A. GRCh37 (hg19) VCF-style: chr19-11144198-G-A.
Other names: c.3774+5G>A (NM_001128844.3, NM_001128849.3, NM_001128847.4 and 6 more transcripts).
Identifiers: ClinVar variation 3445978 (VCV003445978.1).
Genomic context (GRCh38, chr19:11,033,522, plus strand): 5'-GCCATGAGCGGCGCGCCTTCCTGCAGGCCATCCTGGAGCACGAGGAGCAGGATGAGGTGA[G>A]CCCAGCACCGGCCCCGACCCCTCCCCAGCGTGAATGGTGGACGCGTGAGCGGCTTTCATT-3'

ClinVar aggregate classification (germline): Uncertain significance (1 of 4 stars; one submission).

Conditions:
Hereditary cancer-predisposing syndrome. Also called: Tumor predisposition; Neoplastic Syndromes, Hereditary; Hereditary neoplastic syndrome; Hereditary Cancer Syndrome. Identifiers: Orphanet 140162, MedGen C0027672, MeSH D009386, MONDO:0015356.

Submission:

Ambry Genetics
Classification: Uncertain significance for Hereditary cancer-predisposing syndrome. Last evaluated: 2024-08-09. Review status: criteria provided, single submitter. Criteria: Ambry Variant Classification Scheme 2023. Collection method: clinical testing. Allele origin: germline.
Comment: The c.3774+5G>A intronic variant results from a G to A substitution 5 nucleotides after coding exon 25 in the SMARCA4 gene. This nucleotide position is highly conserved in available vertebrate species. In silico splice site analysis predicts that this alteration will result in the creation or strengthening of a novel splice donor site. Based on the available evidence, the clinical significance of this variant remains unclear.